The following is an entry in ClinVar:

NM_001371279.1(REEP1):c.418-13G>A

Gene: REEP1 (receptor accessory protein 1; minus strand). Cytogenetic location: 2p11.2.
Variant type: single nucleotide variant.
Coding change: c.418-13G>A on transcript NM_001371279.1 (MANE Select); 13 bases into the intron before coding-DNA position 418, G replaced by A.
Molecular consequence: intron variant.
Genome position (GRCh38, 1-based): chr2:86,232,815, C>T on the plus strand (G>A on the coding strand, the complement: REEP1 is on the minus strand). VCF-style: chr2-86232815-C-T. GRCh37 (hg19) VCF-style: chr2-86459938-C-T.
Other names: c.439-13G>A (NM_001164730.2); c.337-13G>A (NM_001164731.2); c.183-13G>A (NM_001164732.2); c.418-15705G>A (NM_001371280.1); c.418-13G>A (NM_022912.3).
Identifiers: ClinVar variation 507906 (VCV000507906.4), dbSNP rs548141046, ClinGen allele CA1748720.

ClinVar aggregate classification (germline): Likely benign. Review status: criteria provided, multiple submitters, no conflicts (2 of 4 stars). 2 submissions from 2 submitters: Likely benign (2). Last evaluated 2025-06-16.

Conditions:
Hereditary spastic paraplegia 31. Also called: SPASTIC PARAPLEGIA 31, AUTOSOMAL DOMINANT. Identifiers: Orphanet 101011, MedGen C1853247, MONDO:0012453, OMIM 610250.

Allele frequency attached by ClinVar (database versions not stated): gnomAD exomes 0.00001 and 0.00002; TOPMed 0.00001; ExAC 0.00003; gnomAD 0.00003; 1000 Genomes Project 30x 0.00016; 1000 Genomes Project 0.00020.
gnomAD v4.1: 23 of 1,598,706 alleles (0.0014%); highest among the groups gnomAD compares: African/African-American, 0.017%; no homozygotes.

Submissions (2):

Labcorp Genetics (formerly Invitae), Labcorp
Classification: Likely benign for Hereditary spastic paraplegia 31. Last evaluated: 2025-06-16. Review status: criteria provided, single submitter. Criteria: Invitae Variant Classification Sherloc (09022015). Collection method: clinical testing. Allele origin: germline.

GeneDx
Classification: Likely benign. Last evaluated: 2017-03-22. Review status: criteria provided, single submitter. Criteria: GeneDx Variant Classification (06012015). Collection method: clinical testing. Allele origin: germline. Affected: yes.
Comment: This variant is considered likely benign or benign based on one or more of the following criteria: it is a conservative change, it occurs at a poorly conserved position in the protein, it is predicted to be benign by multiple in silico algorithms, and/or has population frequency not consistent with disease.